The following is an entry in ClinVar:

NM_033004.4(NLRP1):c.1763C>T (p.Pro588Leu)

Gene: NLRP1 (NLR family pyrin domain containing 1; minus strand). Cytogenetic location: 17p13.2.
Variant type: single nucleotide variant.
Coding change: c.1763C>T on transcript NM_033004.4 (MANE Select); coding-DNA position 1763, C replaced by T.
Protein change: p.Pro588Leu; replaces proline 588 with leucine.
Molecular consequence: missense variant.
Genome position (GRCh38, 1-based): chr17:5,558,933, G>A on the plus strand (C>T on the coding strand, the complement: NLRP1 is on the minus strand). VCF-style: chr17-5558933-G-A. GRCh37 (hg19) VCF-style: chr17-5462253-G-A.
Other names: c.1763C>T, p.Pro588Leu (NM_001033053.3, NM_014922.5, NM_033006.4 and 1 more transcripts); short protein forms P588L.
Identifiers: ClinVar variation 1967599 (VCV001967599.5), dbSNP rs1196296062, ClinGen allele CA397384558.

ClinVar aggregate classification (germline): Uncertain significance (1 of 4 stars; one submission).

Allele frequency attached by ClinVar (database versions not stated): gnomAD exomes below 0.00001.
gnomAD v4.1: 4 of 1,614,130 alleles (0.00025%); highest among the groups gnomAD compares: African/African-American, 0.0027%; no homozygotes.

Submission:

Labcorp Genetics (formerly Invitae), Labcorp
Classification: Uncertain significance. Last evaluated: 2024-05-02. Review status: criteria provided, single submitter. Criteria: Invitae Variant Classification Sherloc (09022015). Collection method: clinical testing. Allele origin: germline.
Comment: This sequence change replaces proline, which is neutral and non-polar, with leucine, which is neutral and non-polar, at codon 588 of the NLRP1 protein (p.Pro588Leu). This variant is present in population databases (no rsID available, gnomAD 0.007%). This variant has not been reported in the literature in individuals affected with NLRP1-related conditions. ClinVar contains an entry for this variant (Variation ID: 1967599). Algorithms developed to predict the effect of missense changes on protein structure and function output the following: SIFT: "Not Available"; PolyPhen-2: "Benign"; Align-GVGD: "Not Available". The leucine amino acid residue is found in multiple mammalian species, which suggests that this missense change does not adversely affect protein function. In summary, the available evidence is currently insufficient to determine the role of this variant in disease. Therefore, it has been classified as a Variant of Uncertain Significance.